The following is an entry in ClinVar:

ClinVar aggregate classification (germline): Likely benign. Review status: criteria provided, multiple submitters, no conflicts (2 of 4 stars). 2 submissions from 2 submitters: Likely benign (2). Last evaluated 2026-08-01.

Conditions:
Beckwith-Wiedemann syndrome (BWS). Also called: EMG SYNDROME; Exomphalos macroglossia gigantism syndrome. Identifiers: Orphanet 116, MedGen C0004903, MONDO:0007534, OMIM 130650.

Allele frequency attached by ClinVar (database versions not stated): TOPMed 0.00001.

Submissions (2):

CeGaT Center for Human Genetics Tuebingen
Classification: Likely benign. Last evaluated: 2026-08-01. Review status: criteria provided, single submitter. Criteria: CeGaT Center For Human Genetics Tuebingen Variant Classification Criteria Version 2. Collection method: clinical testing. Allele origin: germline. Affected: yes. Observed: 1 variant allele.
Comment: CDKN1C: PM2:Supporting, BP4, BP7

Labcorp Genetics (formerly Invitae), Labcorp
Classification: Likely benign for Beckwith-Wiedemann syndrome. Last evaluated: 2023-10-13. Review status: criteria provided, single submitter. Criteria: Invitae Variant Classification Sherloc (09022015). Collection method: clinical testing. Allele origin: germline.

NM_001122630.2(CDKN1C):c.540C>T (p.Ala180=)

Gene: CDKN1C (cyclin dependent kinase inhibitor 1C; minus strand). Cytogenetic location: 11p15.4.
Variant type: single nucleotide variant.
Coding change: c.540C>T on transcript NM_001122630.2 (MANE Select); coding-DNA position 540, C replaced by T.
Protein change: p.Ala180=; no amino-acid change (alanine 180 retained).
Molecular consequence: synonymous variant. On other transcripts: intron variant (1).
Genome position (GRCh38, 1-based): chr11:2,884,917, G>A on the plus strand (C>T on the coding strand, the complement: CDKN1C is on the minus strand). VCF-style: chr11-2884917-G-A. GRCh37 (hg19) VCF-style: chr11-2906147-G-A.
Other names: c.573C>T, p.Ala191= (NM_000076.2, NM_001362474.2); c.540C>T, p.Ala180= (NM_001122631.2); c.255+285C>T (NM_001362475.2).
Identifiers: ClinVar variation 2048527 (VCV002048527.5), dbSNP rs1429391694, ClinGen allele CA472832518.